The following is an entry in ClinVar:

ClinVar aggregate classification (germline): Uncertain significance (1 of 4 stars; one submission).

Submission:

Labcorp Genetics (formerly Invitae), Labcorp
Classification: Uncertain significance. Last evaluated: 2024-05-13. Review status: criteria provided, single submitter. Criteria: Invitae Variant Classification Sherloc (09022015). Collection method: clinical testing. Allele origin: germline.
Comment: This sequence change replaces alanine, which is neutral and non-polar, with serine, which is neutral and polar, at codon 380 of the CLCN7 protein (p.Ala380Ser). This variant is not present in population databases (gnomAD no frequency). This variant has not been reported in the literature in individuals affected with CLCN7-related conditions. Advanced modeling of protein sequence and biophysical properties (such as structural, functional, and spatial information, amino acid conservation, physicochemical variation, residue mobility, and thermodynamic stability) performed at Invitae indicates that this missense variant is not expected to disrupt CLCN7 protein function with a negative predictive value of 95%. In summary, the available evidence is currently insufficient to determine the role of this variant in disease. Therefore, it has been classified as a Variant of Uncertain Significance.

NM_001287.6(CLCN7):c.1138G>T (p.Ala380Ser)

Gene: CLCN7 (chloride voltage-gated channel 7; minus strand). Cytogenetic location: 16p13.3.
Variant type: single nucleotide variant.
Coding change: c.1138G>T on transcript NM_001287.6 (MANE Select); coding-DNA position 1138, G replaced by T.
Protein change: p.Ala380Ser; replaces alanine 380 with serine.
Molecular consequence: missense variant.
Genome position (GRCh38, 1-based): chr16:1,454,426, C>A on the plus strand (G>T on the coding strand, the complement: CLCN7 is on the minus strand). VCF-style: chr16-1454426-C-A. GRCh37 (hg19) VCF-style: chr16-1504427-C-A.
Other names: c.1066G>T, p.Ala356Ser (NM_001114331.3); short protein forms A356S, A380S.
Identifiers: ClinVar variation 3688816 (VCV003688816.2).